The following is an entry in ClinVar:

ClinVar aggregate classification (germline): Pathogenic. Review status: criteria provided, multiple submitters, no conflicts (2 of 4 stars). 4 submissions from 4 submitters: Pathogenic (3). 1 of the submissions does not count toward it. Last evaluated 2025-09-01.

Conditions:
Stickler syndrome. Identifiers: Orphanet 828, MedGen C0265253, MONDO:0019354.
COL2A1-related disorder. Also called: COL2A1-related condition; COL2A1-related disorders.

Submissions (4):

Labcorp Genetics (formerly Invitae), Labcorp
Classification: Pathogenic. Last evaluated: 2025-09-01. Review status: criteria provided, single submitter. Criteria: Invitae Variant Classification Sherloc (09022015). Collection method: clinical testing. Allele origin: germline.
Comment: This sequence change affects a donor splice site in intron 19 of the COL2A1 gene. It is expected to disrupt RNA splicing. Variants that disrupt the donor or acceptor splice site typically lead to a loss of protein function (PMID: 16199547), and loss-of-function variants in COL2A1 are known to be pathogenic (PMID: 20179744). This variant is not present in population databases (gnomAD no frequency). Disruption of this splice site has been observed in individuals with clinical features of Stickler syndrome (PMID: 20179744, 20513134, 31736238; internal data). ClinVar contains an entry for this variant (Variation ID: 866010). Algorithms developed to predict the effect of sequence changes on RNA splicing suggest that this variant may disrupt the consensus splice site. For these reasons, this variant has been classified as Pathogenic.

Cambridge Genomics Laboratory, East Genomic Laboratory Hub, NHS Genomic Medicine Service
Classification: Pathogenic for Stickler syndrome. Last evaluated: 2025-05-02. Review status: criteria provided, single submitter. Criteria: ACGS Best Practice Guidelines for Variant Classification in Rare Disease 2020. Collection method: clinical testing. Allele origin: germline. Affected: yes.
Comment: PVS1_Strong,PS4_Moderate,PM2,PP1,PP4

GeneDx
Classification: Pathogenic. Last evaluated: 2024-02-08. Review status: criteria provided, single submitter. Criteria: GeneDx Variant Classification Process June 2021. Collection method: clinical testing. Allele origin: germline. Affected: yes.
Comment: Damages or destroys the splice donor site in intron 19, and is expected to cause abnormal gene splicing; if the splice outcome is exon skip, the loss of the encoded residues in the triple helical region is expected to disrupt normal protein folding and function, and this is an established mechanism of disease (HGMD); Not observed at significant frequency in large population cohorts (gnomAD); This variant is associated with the following publications: (PMID: 25525159, 36729443, 31736238, 20179744, 35791160)

PreventionGenetics, part of Exact Sciences
Classification: Pathogenic for COL2A1-related condition. Last evaluated: 2024-08-01. Review status: no assertion criteria provided. Collection method: clinical testing. Allele origin: germline. Not counted in ClinVar's aggregate classification.
Comment: The COL2A1 c.1221+1G>A variant is predicted to disrupt the GT donor site and interfere with normal splicing. This variant has been reported to be causative for autosomal dominant Stickler syndrome (Hoornaert et al. 2010. PubMed ID: 20179744; Table S3, Wang et al. 2020. PubMed ID: 31736238). In addition, a different variant affecting the same nucleotide position (c.1221+1G>C) has been reported in individuals with Stickler syndrome (Richards et al. 2010. PubMed ID: 20513134). Given the evidence, we classify this variant as pathogenic.

Literature cited by the submitters: PubMed 16199547 (cited by Labcorp Genetics (formerly Invitae), Labcorp); PubMed 20179744 (cited by Labcorp Genetics (formerly Invitae), Labcorp); PubMed 20513134 (cited by Labcorp Genetics (formerly Invitae), Labcorp); PubMed 31736238 (cited by Labcorp Genetics (formerly Invitae), Labcorp).

NM_001844.5(COL2A1):c.1221+1G>A

Gene: COL2A1 (collagen type II alpha 1 chain; minus strand). Cytogenetic location: 12q13.11.
Variant type: single nucleotide variant.
Coding change: c.1221+1G>A on transcript NM_001844.5 (MANE Select); the canonical splice donor site of the intron after coding-DNA position 1221, G replaced by A.
Molecular consequence: splice donor variant.
Genome position (GRCh38, 1-based): chr12:47,987,610, C>T on the plus strand (G>A on the coding strand, the complement: COL2A1 is on the minus strand). VCF-style: chr12-47987610-C-T. GRCh37 (hg19) VCF-style: chr12-48381393-C-T.
Other names: c.1014+1G>A (NM_033150.3).
Identifiers: ClinVar variation 866010 (VCV000866010.15), dbSNP rs1399741348, ClinGen allele CA384554335.